The following is an entry in ClinVar:

ClinVar aggregate classification (germline): Uncertain significance. Review status: criteria provided, multiple submitters, no conflicts (2 of 4 stars). 2 submissions from 2 submitters: Uncertain significance (2). Last evaluated 2026-01-07.

Conditions:
RYR1-related disorder. Also called: RYR1-related condition; RYR1-related disorders. Identifiers: MedGen CN239331.
Malignant hyperthermia, susceptibility to, 1 (MHS1). Also called: RYR1-Related Malignant Hyperthermia Susceptibility; Anesthesia related hyperthermia; Malignant hyperpyrexia; Fulminating hyperpyrexia; Pharmacogenic myopathy; Malignant hyperthermia suceptibility 1. Identifiers: Orphanet 423, MedGen C2930980, MONDO:0007783, OMIM 145600.

gnomAD v4.1: 2 of 1,613,420 alleles (0.00012%); highest among the groups gnomAD compares: Admixed American, 0.0033%; no homozygotes.

Submissions (2):

Labcorp Genetics (formerly Invitae), Labcorp
Classification: Uncertain significance for RYR1-related disorder. Last evaluated: 2026-01-07. Review status: criteria provided, single submitter. Criteria: Invitae Variant Classification Sherloc (09022015). Collection method: clinical testing. Allele origin: germline.
Comment: This sequence change replaces alanine, which is neutral and non-polar, with glycine, which is neutral and non-polar, at codon 3300 of the RYR1 protein (p.Ala3300Gly). This variant is present in population databases (no rsID available, gnomAD 0.006%). This variant has not been reported in the literature in individuals affected with RYR1-related conditions. ClinVar contains an entry for this variant (Variation ID: 3069500). Invitae Evidence Modeling of protein sequence and biophysical properties (such as structural, functional, and spatial information, amino acid conservation, physicochemical variation, residue mobility, and thermodynamic stability) indicates that this missense variant is not expected to disrupt RYR1 protein function with a negative predictive value of 80%. In summary, the available evidence is currently insufficient to determine the role of this variant in disease. Therefore, it has been classified as a Variant of Uncertain Significance.

All of Us Research Program, National Institutes of Health
Classification: Uncertain significance for Malignant hyperthermia, susceptibility to, 1. Last evaluated: 2023-02-24. Review status: criteria provided, single submitter. Criteria: ACMG Guidelines, 2015. Collection method: clinical testing. Allele origin: germline. Inheritance: Autosomal dominant inheritance. Observed: 1 variant allele, 1 heterozygote.
Comment: This missense variant replaces alanine with glycine at codon 3300 of the RYR1 protein. Computational prediction suggests that this variant may not impact protein structure and function (internally defined REVEL score threshold <= 0.5, PMID: 27666373). To our knowledge, functional studies have not been reported for this variant. This variant has not been reported in individuals affected with RYR1-related disorders in the literature. This variant has been identified in 2/247666 chromosomes in the general population by the Genome Aggregation Database (gnomAD). The available evidence is insufficient to determine the role of this variant in disease conclusively. Therefore, this variant is classified as a Variant of Uncertain Significance.

This study involves interpretation of variants in research participants for the purpose of population health screening. Participant phenotype was not available at the time of variant classification. Additional details can be found in publication PMID: 35346344, PMCID: PMC8962531

NM_000540.3(RYR1):c.9899C>G (p.Ala3300Gly)

Gene: RYR1 (ryanodine receptor 1; plus strand). Cytogenetic location: 19q13.2.
Variant type: single nucleotide variant.
Coding change: c.9899C>G on transcript NM_000540.3 (MANE Select); coding-DNA position 9899, C replaced by G.
Protein change: p.Ala3300Gly; replaces alanine 3300 with glycine.
Molecular consequence: missense variant.
Genome position (GRCh38, 1-based): chr19:38,517,572, C>G. VCF-style: chr19-38517572-C-G. GRCh37 (hg19) VCF-style: chr19-39008212-C-G.
Other names: c.9899C>G, p.Ala3300Gly (NM_001042723.2); short protein forms A3300G.
Identifiers: ClinVar variation 3069500 (VCV003069500.2), dbSNP rs749718772, ClinGen allele CA405692652.